The following is an entry in ClinVar:

ClinVar aggregate classification (germline): Likely benign (1 of 4 stars; one submission).

Conditions:
Long QT syndrome (LQTS). Identifiers: MedGen C0023976, MeSH D008133, MONDO:0002442. Disease mechanism: loss of function. Inheritance: Various modes of inheritance.

Submission:

All of Us Research Program, National Institutes of Health
Classification: Likely benign for Long QT syndrome. Last evaluated: 2023-05-16. Review status: criteria provided, single submitter. Criteria: ACMG Guidelines, 2015. Collection method: clinical testing. Allele origin: germline. Inheritance: Autosomal dominant inheritance. Observed: 1 variant allele, 1 heterozygote.
Comment: This study involves interpretation of variants in research participants for the purpose of population health screening. Participant phenotype was not available at the time of variant classification. Additional details can be found in publication PMID: 35346344, PMCID: PMC8962531

NM_000238.4(KCNH2):c.2238C>T (p.Ala746=)

Gene: KCNH2 (potassium voltage-gated channel subfamily H member 2; minus strand). Cytogenetic location: 7q36.1.
Variant type: single nucleotide variant.
Coding change: c.2238C>T on transcript NM_000238.4 (MANE Select); coding-DNA position 2238, C replaced by T.
Protein change: p.Ala746=; no amino-acid change (alanine 746 retained).
Molecular consequence: synonymous variant. On other transcripts: non-coding transcript variant (2).
Genome position (GRCh38, 1-based): chr7:150,950,328, G>A on the plus strand (C>T on the coding strand, the complement: KCNH2 is on the minus strand). VCF-style: chr7-150950328-G-A. GRCh37 (hg19) VCF-style: chr7-150647416-G-A.
Other names: c.1218C>T, p.Ala406= (NM_001204798.2, NM_172057.3); c.1950C>T, p.Ala650= (NM_001406753.1, NM_001406756.1); c.2061C>T, p.Ala687= (NM_001406755.1); c.1938C>T, p.Ala646= (NM_001406757.1); c.2238C>T, p.Ala746= (NM_172056.3).
Identifiers: ClinVar variation 3071267 (VCV003071267.1), dbSNP rs765110115, ClinGen allele CA458871363.
Genomic context (GRCh38, chr7:150,950,328, plus strand): 5'-CCCTGGCGGTGCATGTGTGGTCTTGAACTTCATGGCCAGGGCCCGAAGGCAGCCCTTGGT[G>A]GCCCCTCGGAAGGGTTTGCAGTGCTGCAGCAGTGAGCGGTTCAGGTGCAGGCAGATGTCA-3'
Protein context (NP_000229.1, residues 736-756): LLQHCKPFRG[Ala746=]TKGCLRALAM